The following is an entry in ClinVar:

ClinVar aggregate classification (germline): Uncertain significance (1 of 4 stars; one submission).

Allele frequency attached by ClinVar (database versions not stated): gnomAD 0.00003; TOPMed 0.00004; ESP Exome Variant Server 0.00008.
gnomAD v4.1: 6 of 1,613,986 alleles (0.00037%); highest among the groups gnomAD compares: African/African-American, 0.008%; no homozygotes.

Submission:

Labcorp Genetics (formerly Invitae), Labcorp
Classification: Uncertain significance. Last evaluated: 2023-05-22. Review status: criteria provided, single submitter. Criteria: Invitae Variant Classification Sherloc (09022015). Collection method: clinical testing. Allele origin: germline.
Comment: This variant is present in population databases (rs375549812, gnomAD 0.007%). This variant has not been reported in the literature in individuals affected with HMCN1-related conditions. ClinVar contains an entry for this variant (Variation ID: 1985007). An algorithm developed to predict the effect of missense changes on protein structure and function (PolyPhen-2) suggests that this variant is likely to be tolerated. In summary, the available evidence is currently insufficient to determine the role of this variant in disease. Therefore, it has been classified as a Variant of Uncertain Significance. This sequence change replaces threonine, which is neutral and polar, with asparagine, which is neutral and polar, at codon 5127 of the HMCN1 protein (p.Thr5127Asn).

NM_031935.3(HMCN1):c.15380C>A (p.Thr5127Asn)

Gene: HMCN1 (hemicentin 1; plus strand). Cytogenetic location: 1q31.1.
Variant type: single nucleotide variant.
Coding change: c.15380C>A on transcript NM_031935.3 (MANE Select); coding-DNA position 15380, C replaced by A.
Protein change: p.Thr5127Asn; replaces threonine 5127 with asparagine.
Molecular consequence: missense variant.
Genome position (GRCh38, 1-based): chr1:186,166,244, C>A. VCF-style: chr1-186166244-C-A. GRCh37 (hg19) VCF-style: chr1-186135376-C-A.
Other names: short protein forms T5127N.
Identifiers: ClinVar variation 1985007 (VCV001985007.4), dbSNP rs375549812, ClinGen allele CA1295237.